The following is an entry in ClinVar:

NM_000918.4(P4HB):c.286G>A (p.Val96Met)

Gene: P4HB (prolyl 4-hydroxylase subunit beta; minus strand). Cytogenetic location: 17q25.3.
Variant type: single nucleotide variant.
Coding change: c.286G>A on transcript NM_000918.4 (MANE Select); coding-DNA position 286, G replaced by A.
Protein change: p.Val96Met; replaces valine 96 with methionine.
Molecular consequence: missense variant.
Genome position (GRCh38, 1-based): chr17:81,859,247, C>T on the plus strand (G>A on the coding strand, the complement: P4HB is on the minus strand). VCF-style: chr17-81859247-C-T. GRCh37 (hg19) VCF-style: chr17-79817123-C-T.
Other names: short protein forms V96M.
Identifiers: ClinVar variation 4780795 (VCV004780795.1).
Genomic context (GRCh38, chr17:81,859,247, plus strand): 5'-ATTCCTTGGGGGAAGCCGTGTCTCCATTCCTGAAGAACTTGATGGTGGGATAGCCGCGCA[C>T]GCCGTACTGCTGGGCCAGGTCAGACTCCTCCGTGGCGTCCACCTTGGCCAACCTGATCTC-3'
Protein context (NP_000909.2, residues 86-106): EESDLAQQYG[Val96Met]RGYPTIKFFR

ClinVar aggregate classification (germline): Uncertain significance (1 of 4 stars; one submission).

gnomAD v4.1: 5 of 1,614,046 alleles (0.00031%); highest among the groups gnomAD compares: South Asian, 0.0011%; no homozygotes.

Submission:

Labcorp Genetics (formerly Invitae), Labcorp
Classification: Uncertain significance. Last evaluated: 2025-07-09. Review status: criteria provided, single submitter. Criteria: Invitae Variant Classification Sherloc (09022015). Collection method: clinical testing. Allele origin: germline.
Comment: This sequence change replaces valine, which is neutral and non-polar, with methionine, which is neutral and non-polar, at codon 96 of the P4HB protein (p.Val96Met). This variant is not present in population databases (gnomAD no frequency). This variant has not been reported in the literature in individuals affected with P4HB-related conditions. Invitae Evidence Modeling of protein sequence and biophysical properties (such as structural, functional, and spatial information, amino acid conservation, physicochemical variation, residue mobility, and thermodynamic stability) indicates that this missense variant is not expected to disrupt P4HB protein function with a negative predictive value of 80%. In summary, the available evidence is currently insufficient to determine the role of this variant in disease. Therefore, it has been classified as a Variant of Uncertain Significance.